The following is an entry in ClinVar:

ClinVar aggregate classification (germline): Uncertain significance (1 of 4 stars; one submission).

Submission:

Ambry Genetics
Classification: Uncertain significance. Last evaluated: 2025-01-10. Review status: criteria provided, single submitter. Criteria: Ambry Variant Classification Scheme 2023. Collection method: clinical testing. Allele origin: germline.
Comment: The p.D444V variant (also known as c.1331A>T), located in coding exon 7 of the PALLD gene, results from an A to T substitution at nucleotide position 1331. The aspartic acid at codon 444 is replaced by valine, an amino acid with highly dissimilar properties. This amino acid position is conserved. In addition, this alteration is predicted to be deleterious by in silico analysis. Based on the available evidence, the clinical significance of this variant remains unclear.

NM_001166108.2(PALLD):c.2843A>T (p.Asp948Val)

Genes: CBR4 (carbonyl reductase 4; minus strand), PALLD (palladin, cytoskeletal associated protein; plus strand). Cytogenetic location: 4q32.3.
Variant type: single nucleotide variant.
Coding change: c.2843A>T on transcript NM_001166108.2 (MANE Select); coding-DNA position 2843, A replaced by T.
Protein change: p.Asp948Val; replaces aspartic acid 948 with valine.
Molecular consequence: missense variant.
Genome position (GRCh38, 1-based): chr4:168,916,020, A>T. VCF-style: chr4-168916020-A-T. GRCh37 (hg19) VCF-style: chr4-169837171-A-T.
Other names: c.1646A>T, p.Asp549Val (NM_001166109.2); c.1331A>T, p.Asp444Val (NM_001166110.2); c.671A>T, p.Asp224Val (NM_001367567.1, NM_001367569.1); c.722A>T, p.Asp241Val (NM_001367568.1, NM_001367570.1); c.2792A>T, p.Asp931Val (NM_016081.4); short protein forms D948V, D224V, D241V, D549V, D931V, D444V.
Identifiers: ClinVar variation 3885302 (VCV003885302.1).
Genomic context (GRCh38, chr4:168,916,020, plus strand): 5'-CTCACTTCTTGCAGGCTCCTGGAGATCTGACTGTTCAAGAAGGAAAACTCTGCAGAATGG[A>T]CTGCAAAGTAAGATTTTGTTATTGCTTGCATATCCTATTGCCCCACTTCTCCCTCACTTG-3'
Protein context (NP_001159580.1, residues 938-958): TVQEGKLCRM[Asp948Val]CKVSGLPTPD